The following is an entry in ClinVar:

ClinVar aggregate classification (germline): Pathogenic (1 of 4 stars; one submission).

Conditions:
Duchenne muscular dystrophy (DMD). Also called: MUSCULAR DYSTROPHY, PSEUDOHYPERTROPHIC PROGRESSIVE, DUCHENNE TYPE; Duchenne Muscular Dystrophy (DMD). Identifiers: Orphanet 98896, MedGen C0013264, MONDO:0010679, OMIM 310200.

Submission:

Labcorp Genetics (formerly Invitae), Labcorp
Classification: Pathogenic for Duchenne muscular dystrophy. Last evaluated: 2021-10-07. Review status: criteria provided, single submitter. Criteria: Invitae Variant Classification Sherloc (09022015). Collection method: clinical testing. Allele origin: germline.
Comment: For these reasons, this variant has been classified as Pathogenic. This premature translational stop signal has been observed in individual(s) with Duchenne muscular dystrophy (PMID: 31081998). This variant is not present in population databases (ExAC no frequency). This sequence change creates a premature translational stop signal (p.Ile872Asnfs*3) in the DMD gene. It is expected to result in an absent or disrupted protein product. Loss-of-function variants in DMD are known to be pathogenic (PMID: 16770791, 25007885).

Literature cited by the submitters: PubMed 31081998; PubMed 16770791; PubMed 25007885.

NM_004006.3(DMD):c.2614dup (p.Ile872fs)

Gene: DMD (dystrophin; minus strand). Cytogenetic location: Xp21.1.
Variant type: Duplication.
Coding change: c.2614dup on transcript NM_004006.3 (MANE Select); coding-DNA position 2614, one base duplicated (A; older notation c.2614dupA).
Protein change: p.Ile872fs; shifts the reading frame from isoleucine 872.
Molecular consequence: frameshift variant.
Genome position (GRCh38, 1-based): chrX:32,491,285, T duplicated on the plus strand (A on the coding strand, the reverse complement: DMD is on the minus strand); the first of 5 consecutive T bases (chrX:32,491,285-32,491,289); duplicating any one gives the same sequence. VCF-style (leftmost placement, unchanged base first): chrX-32491284-A-AT. GRCh37 (hg19) VCF-style: chrX-32509401-A-AT.
Other names: c.2590dup, p.Ile864fs (NM_000109.4); c.2602dup, p.Ile868fs (NM_004009.3); c.2245dup, p.Ile749fs (NM_004010.3); short protein forms I749fs, I872fs, I864fs, I868fs.
Identifiers: ClinVar variation 1378299 (VCV001378299.6), dbSNP rs2148630350, ClinGen allele CA2573158811.